The following is an entry in ClinVar:

ClinVar aggregate classification (germline): Uncertain significance. Review status: criteria provided, multiple submitters, no conflicts (2 of 4 stars). 4 submissions from 4 submitters: Uncertain significance (4). Last evaluated 2024-09-16.

Conditions:
Wilson disease (WND). Also called: Wilson's disease. Identifiers: Orphanet 905, MedGen C0019202, MONDO:0010200, OMIM 277900. Disease mechanism: loss of function.

Allele frequency attached by ClinVar (database versions not stated): 1000 Genomes Project 30x 0.00016; 1000 Genomes Project 0.00020.
gnomAD v4.1: 17 of 1,614,194 alleles (0.0011%); highest among the groups gnomAD compares: African/African-American, 0.008%; no homozygotes.

Submissions (4):

All of Us Research Program, National Institutes of Health
Classification: Uncertain significance for Wilson disease. Last evaluated: 2024-09-16. Review status: criteria provided, single submitter. Criteria: ACMG Guidelines, 2015. Collection method: clinical testing. Allele origin: germline. Inheritance: Autosomal recessive inheritance. Observed: 2 variant alleles, 2 heterozygotes.
Comment: This missense variant replaces methionine with valine at codon 556 of the ATP7B protein. Computational prediction suggests that this variant may not impact protein structure and function (internally defined REVEL score threshold <= 0.5, PMID: 27666373). To our knowledge, functional studies have not been reported for this variant. This variant has not been reported in individuals affected with ATP7B-related disorders in the literature. This variant has been identified in 4/249536 chromosomes in the general population by the Genome Aggregation Database (gnomAD). The available evidence is insufficient to determine the role of this variant in disease conclusively. Therefore, this variant is classified as a Variant of Uncertain Significance.

This study involves interpretation of variants in research participants for the purpose of population health screening. Participant phenotype was not available at the time of variant classification. Additional details can be found in publication PMID: 35346344, PMCID: PMC8962531

Blueprint Genetics
Classification: Uncertain significance. Last evaluated: 2024-09-10. Review status: criteria provided, single submitter. Criteria: ACMG Guidelines, 2015. Collection method: clinical testing. Allele origin: germline.

Labcorp Genetics (formerly Invitae), Labcorp
Classification: Uncertain significance for Wilson disease. Last evaluated: 2023-08-10. Review status: criteria provided, single submitter. Criteria: Invitae Variant Classification Sherloc (09022015). Collection method: clinical testing. Allele origin: germline.
Comment: In summary, the available evidence is currently insufficient to determine the role of this variant in disease. Therefore, it has been classified as a Variant of Uncertain Significance. Advanced modeling of protein sequence and biophysical properties (such as structural, functional, and spatial information, amino acid conservation, physicochemical variation, residue mobility, and thermodynamic stability) performed at Invitae indicates that this missense variant is not expected to disrupt ATP7B protein function. ClinVar contains an entry for this variant (Variation ID: 1414204). This variant has not been reported in the literature in individuals affected with ATP7B-related conditions. This variant is present in population databases (rs200212457, gnomAD 0.004%). This sequence change replaces methionine, which is neutral and non-polar, with valine, which is neutral and non-polar, at codon 556 of the ATP7B protein (p.Met556Val).

Color Diagnostics, LLC DBA Color Health
Classification: Uncertain significance for Wilson disease. Last evaluated: 2023-03-08. Review status: criteria provided, single submitter. Criteria: ACMG Guidelines, 2015. Collection method: clinical testing. Allele origin: germline.
Comment: This missense variant replaces methionine with valine at codon 556 of the ATP7B protein. Computational prediction suggests that this variant may not impact protein structure and function (internally defined REVEL score threshold <= 0.5, PMID: 27666373). To our knowledge, functional studies have not been reported for this variant. This variant has not been reported in individuals affected with ATP7B-related disorders in the literature. This variant has been identified in 4/249536 chromosomes in the general population by the Genome Aggregation Database (gnomAD). The available evidence is insufficient to determine the role of this variant in disease conclusively. Therefore, this variant is classified as a Variant of Uncertain Significance.

NM_000053.4(ATP7B):c.1666A>G (p.Met556Val)

Gene: ATP7B (ATPase copper transporting beta; minus strand). Cytogenetic location: 13q14.3.
Variant type: single nucleotide variant.
Coding change: c.1666A>G on transcript NM_000053.4 (MANE Select); coding-DNA position 1666, A replaced by G.
Protein change: p.Met556Val; replaces methionine 556 with valine.
Molecular consequence: missense variant.
Genome position (GRCh38, 1-based): chr13:51,968,485, T>C on the plus strand (A>G on the coding strand, the complement: ATP7B is on the minus strand). VCF-style: chr13-51968485-T-C. GRCh37 (hg19) VCF-style: chr13-52542621-T-C.
Other names: c.1666A>G, p.Met556Val (NM_001005918.3, NM_001330578.2, NM_001330579.2); c.1333A>G, p.Met445Val (NM_001243182.2); short protein forms M556V, M445V.
Identifiers: ClinVar variation 1414204 (VCV001414204.8), dbSNP rs200212457, ClinGen allele CA6989282.
Genomic context (GRCh38, chr13:51,968,485, plus strand): 5'-ACGCACCCACAGTACTTACTGTCAGCTCAATGTTGCCATCGGAGCCTGCGTAGTCCTCCA[T>C]GACTGCTGCCTCAAAACCCAGGTCCTGGATGAACTGAGCTATCTCGAGGGGCTGGATGAC-3'
Protein context (NP_000044.2, residues 546-566): IQDLGFEAAV[Met556Val]EDYAGSDGNI